The following is an entry in ClinVar:

NM_000059.4(BRCA2):c.6776A>G (p.Asn2259Ser)

Gene: BRCA2 (BRCA2 DNA repair associated; plus strand). Cytogenetic location: 13q13.1.
Variant type: single nucleotide variant.
Coding change: c.6776A>G on transcript NM_000059.4 (MANE Select); coding-DNA position 6776, A replaced by G.
Protein change: p.Asn2259Ser; replaces asparagine 2259 with serine.
Molecular consequence: missense variant. On other transcripts: non-coding transcript variant (1), intron variant (2).
Genome position (GRCh38, 1-based): chr13:32,341,131, A>G. VCF-style: chr13-32341131-A-G. GRCh37 (hg19) VCF-style: chr13-32915268-A-G.
Other names: c.6776A>G, p.Asn2259Ser (NM_001406719.1, NM_001406720.1, NM_001432077.1); c.1910-3427A>G (NM_001406721.1); c.425-3427A>G (NM_001406722.1); short protein forms N2259S.
Identifiers: ClinVar variation 3780977 (VCV003780977.1).

ClinVar aggregate classification (germline): Uncertain significance (1 of 4 stars; one submission).

Submission:

GeneDx
Classification: Uncertain significance. Last evaluated: 2024-10-21. Review status: criteria provided, single submitter. Criteria: GeneDx Variant Classification Process June 2021. Collection method: clinical testing. Allele origin: germline. Affected: yes.
Comment: Not observed at significant frequency in large population cohorts (gnomAD); In silico analysis indicates that this missense variant does not alter protein structure/function; Has not been previously published as pathogenic or benign to our knowledge; Also known as c.7004A>G